The following is an entry in ClinVar:

NM_000329.3(RPE65):c.1087C>T (p.Pro363Ser)

Gene: RPE65 (retinoid isomerohydrolase RPE65; minus strand). Cytogenetic location: 1p31.3.
Variant type: single nucleotide variant.
Coding change: c.1087C>T on transcript NM_000329.3 (MANE Select); coding-DNA position 1087, C replaced by T.
Protein change: p.Pro363Ser; replaces proline 363 with serine.
Molecular consequence: missense variant.
Genome position (GRCh38, 1-based): chr1:68,438,228, G>A on the plus strand (C>T on the coding strand, the complement: RPE65 is on the minus strand). VCF-style: chr1-68438228-G-A. GRCh37 (hg19) VCF-style: chr1-68903911-G-A.
Other names: NM_000329.3(RPE65):c.1087C>T; p.Pro363Ser; c.979C>T, p.Pro327Ser (NM_001406853.1); c.811C>T, p.Pro271Ser (NM_001406856.1, NM_001406857.1); c.1087C>T, p.Pro363Ser (NM_001406859.1); c.1087C>T (NM_000329.2); short protein forms P271S, P327S, P363S.
Identifiers: ClinVar variation 1803135 (VCV001803135.7), dbSNP rs121917744, ClinGen allele CA902299.

ClinVar aggregate classification (germline): Uncertain significance. Review status: reviewed by expert panel (3 of 4 stars). 6 submissions from 6 submitters: Uncertain significance (1). 5 of the submissions do not count toward it. Last evaluated 2026-06-23.

Conditions:
RPE65-related recessive retinopathy. Also called: Recessive RPE65 retinopathy. Identifiers: MedGen CN305526, MONDO:0100368.
RPE65-related disorder. Also called: RPE65-related condition; RPE65-related disorders. Identifiers: MedGen CN239301.
Leber congenital amaurosis 2 (LCA2). Also called: Autosomal Recessive RPE65-Related Retinal Degeneration; AMAUROSIS CONGENITA OF LEBER II. Identifiers: Orphanet 65, MedGen C1859844, MONDO:0008765, OMIM 204100. Disease mechanism: loss of function.
Retinitis pigmentosa 20 (RP20). Identifiers: Orphanet 791, MedGen C3151086, MONDO:0013425, OMIM 613794.

gnomAD v4.1: 10 of 1,613,908 alleles (0.00062%); highest among the groups gnomAD compares: Middle Eastern, 0.016%; no homozygotes.

Submissions (6):

ClinGen Leber Congenital Amaurosis/early Onset Retinal Dystrophy Variant Curation Expert Panel, ClinGen
Classification: Uncertain significance for RPE65-related recessive retinopathy. Last evaluated: 2026-06-23. Review status: reviewed by expert panel. Criteria: ClinGen LCAeoRD ACMG Specifications RPE65 V1.0.0. Collection method: curation. Allele origin: germline. Inheritance: Autosomal recessive inheritance.
Comment: NM_000329.3(RPE65):c.1087C>T (p.Pro363Ser) is a missense variant that causes replacement of proline with serine at amino acid p.363. Another missense variant in the same codon, NM_000329.3(RPE65):c.1087C>A (p.Pro363Thr), has been classified as pathogenic for RPE65-related recessive retinopathy by the ClinGen LCA / eoRD VCEP (PM5, PMID:9326941, PMID: 26352687, PMID:16828753). Splicing prediction using SpliceAI did not strongly predict an effect on splicing due to either of these variants. This variant has been reported in at least 1 proband with an inherited retinal dystrophy who is compound heterozygous with the NM_000329.3(RPE65):c.1067del (p.Asn356MetfsTer17) variant confirmed in trans (1 point, reported by the clinical lab that tested the patient), which was previously classified pathogenic by the ClinGen LCA/eoRD VCEP (1 total point, PM3). The variant is present in gnomAD v.4.1.0 at a GrpMax allele frequency of 0.00003588 , with 7 alleles / 91072 total alleles in the South Asian population, which is lower than the ClinGen LCA / eoRD VCEP PM2_Supporting threshold of <0.0002 (PM2_Supporting). The computational predictor REVEL gives a score of 0.638, which is above the ClinGen LCA / eoRD VCEP benign threshold of <0.290 and slightly below the ClinGen LCA / eoRD VCEP damaging threshold of ≥0.644 and therefore does not predict either a damaging or non-damaging effect on RPE65 function. Additionally, the splicing impact predictor SpliceAI gives a score of 0.09, which is below the ClinGen LCA / eoRD VCEP recommended threshold of ≥0.2 and does not strongly predict an impact on splicing (BP4 not met; PP3 not met). In summary, this variant meets the criteria to be classified as a variant of uncertain significance (VUS) for RPE65-related recessive retinopathy based on the ACMG/AMP criteria applied, as specified by the ClinGen LCA/eoRD VCEP: PM5, PM2_Supporting, PM3. (VCEP specifications version 1.0.0; date of approval 09/21/2023).

PreventionGenetics, part of Exact Sciences
Classification: Uncertain significance for RPE65-related condition. Last evaluated: 2026-05-19. Review status: criteria provided, single submitter. Criteria: ACMG Guidelines, 2015. Collection method: clinical testing. Allele origin: germline. Not counted in ClinVar's aggregate classification.
Comment: The RPE65 c.1087C>T variant is predicted to result in the amino acid substitution p.Pro363Ser. To our knowledge, this variant has not been reported in the literature or in a large population database (gnomAD), indicating this variant is rare. Other missense variants affecting the same amino acid position, p.(Pro363Thr) and p.(Pro363Arg), have been reported in individuals with retinal disease or Leber congenital amaurosis (for example, Lin et al. 2024. PubMed ID: 38219857; Kumaran et al. 2018. PubMed ID: 29332120; Astuti et al. 2016. PubMed ID: 26626312). Of note, p.(Pro363Thr) has been considered as pathogenic for autosomal recessive RPE65-related disease by the ClinGen Expert Curation Panel (ClinVar Variation ID: 13117). At this time, the clinical significance of this variant is uncertain due to the absence of conclusive functional and genetic evidence.

Labcorp Genetics (formerly Invitae), Labcorp
Classification: Uncertain significance for Leber congenital amaurosis 2; Retinitis pigmentosa 20. Last evaluated: 2024-03-26. Review status: criteria provided, single submitter. Criteria: Invitae Variant Classification Sherloc (09022015). Collection method: clinical testing. Allele origin: germline. Not counted in ClinVar's aggregate classification.
Comment: This sequence change replaces proline, which is neutral and non-polar, with serine, which is neutral and polar, at codon 363 of the RPE65 protein (p.Pro363Ser). This variant is not present in population databases (gnomAD no frequency). This variant has not been reported in the literature in individuals affected with RPE65-related conditions. ClinVar contains an entry for this variant (Variation ID: 1803135). Advanced modeling of protein sequence and biophysical properties (such as structural, functional, and spatial information, amino acid conservation, physicochemical variation, residue mobility, and thermodynamic stability) performed at Invitae indicates that this missense variant is not expected to disrupt RPE65 protein function with a negative predictive value of 80%. This variant disrupts the p.Pro363 amino acid residue in RPE65. Other variant(s) that disrupt this residue have been determined to be pathogenic (PMID: 9326941, 15024725, 29332120). This suggests that this residue is clinically significant, and that variants that disrupt this residue are likely to be disease-causing. In summary, the available evidence is currently insufficient to determine the role of this variant in disease. Therefore, it has been classified as a Variant of Uncertain Significance.

Neuberg Centre For Genomic Medicine, NCGM
Classification: Uncertain significance for Leber congenital amaurosis 2. Last evaluated: 2023-05-20. Review status: criteria provided, single submitter. Criteria: ACMG Guidelines, 2015. Collection method: clinical testing. Allele origin: germline. Inheritance: Autosomal recessive inheritance. Affected: yes. Not counted in ClinVar's aggregate classification.
Comment: The observed missense c.1087C>T (p.Pro363Ser) variant in RPE65 gene has not been reported previously as a pathogenic variant nor as a benign variant, to our knowledge. The p.Pro363Ser variant is absent in gnomAD Exomes. This variant has been submitted to the ClinVar database as Likely Pathogenic. Computational evidence (Polyphen - Pssibly Damaging, SIFT - Tolerated and MutationTaster - Disease Causing) predicts conflicting evidence on protein structure and function for this variant. The amino acid change p.Pro363Ser in RPE65 is predicted as conserved by GERP++ and PhyloP across 100 vertebrates. The amino acid Pro at position 363 is changed to a Ser changing protein sequence and it might alter its composition and physico-chemical properties. However, additional functional studies will be required to prove the pathogenicity of this variant. For these reasons, this variant has been classified as a Variant of Uncertain Significance (VUS).

Genetics and Molecular Pathology, SA Pathology
Classification: Likely pathogenic for RPE65-related recessive retinopathy. Last evaluated: 2022-01-14. Review status: criteria provided, single submitter. Criteria: ACMG Guidelines, 2015. Collection method: clinical testing. Allele origin: germline. Affected: yes. Not counted in ClinVar's aggregate classification.

Blueprint Genetics
Classification: Uncertain significance. Last evaluated: 2021-11-23. Review status: criteria provided, single submitter. Criteria: ACMG Guidelines, 2015. Collection method: clinical testing. Allele origin: germline. Not counted in ClinVar's aggregate classification.

Literature cited by the submitters: PubMed 9326941 (cited by Labcorp Genetics (formerly Invitae), Labcorp); PubMed 15024725 (cited by Labcorp Genetics (formerly Invitae), Labcorp); PubMed 29332120 (cited by Labcorp Genetics (formerly Invitae), Labcorp).